The following is an entry in ClinVar:

ClinVar aggregate classification (germline): Benign (1 of 4 stars; one submission).

Conditions:
X-linked lymphoproliferative disease due to XIAP deficiency. Also called: XIAP DEFICIENCY; XIAP-Related Lymphoproliferative Disease, X-Linked. Identifiers: Orphanet 2442, Orphanet 538934, MedGen C1845076, MONDO:0010385, OMIM 300635.

Allele frequency attached by ClinVar (database versions not stated): ExAC 0.00097; TOPMed 0.00125; gnomAD exomes 0.00126 and 0.00261; 1000 Genomes Project 0.00132; 1000 Genomes Project 30x 0.00166; gnomAD 0.00187 and 0.00188.
gnomAD v4.1: 767 of 327,903 alleles (0.23%); highest among the groups gnomAD compares: Non-Finnish European, 0.35%; 1 homozygote.

Submission:

Illumina Laboratory Services, Illumina
Classification: Benign for X-linked lymphoproliferative disease due to XIAP deficiency. Last evaluated: 2018-01-13. Review status: criteria provided, single submitter. Criteria: ICSL Variant Classification Criteria 13 December 2019. Collection method: clinical testing. Allele origin: germline.
Comment: This variant was observed in the ICSL laboratory as part of a predisposition screen in an ostensibly healthy population. It had not been previously curated by ICSL or reported in the Human Gene Mutation Database (HGMD: prior to June 1st, 2018), and was therefore a candidate for classification through an automated scoring system. Utilizing variant allele frequency, disease prevalence and penetrance estimates, and inheritance mode, an automated score was calculated to assess if this variant is too frequent to cause the disease. Based on the score and internal cut-off values, a variant classified as benign is not then subjected to further curation. The score for this variant resulted in a classification of benign for this disease.

NM_001167.4(XIAP):c.*3040G>A

Gene: XIAP (X-linked inhibitor of apoptosis; plus strand). Cytogenetic location: Xq25.
Variant type: single nucleotide variant.
Coding change: c.*3040G>A on transcript NM_001167.4 (MANE Select); 3040 bases downstream of the stop codon, G replaced by A.
Molecular consequence: 3 prime UTR variant. On other transcripts: non-coding transcript variant (2).
Genome position (GRCh38, 1-based): chrX:123,910,221, G>A. VCF-style: chrX-123910221-G-A. GRCh37 (hg19) VCF-style: chrX-123044071-G-A.
Other names: c.*3040G>A (NM_001204401.2, NM_001378590.1, NM_001378591.1 and 1 more transcripts).
Identifiers: ClinVar variation 367819 (VCV000367819.5), dbSNP rs187400208, ClinGen allele CA10508295.
Genomic context (GRCh38, chrX:123,910,221, plus strand): 5'-TTTTAGCATTTACAAACTAAATTCCAGTTAATTAATTAATAGCTTTATATTGCCTTTCCT[G>A]CTACATTTGGTTTTTTCCCCTGTCCCTTTGATTACGGGCTAAGGTAGGGTAGAGTGGGTG-3'